The following is an entry in ClinVar:

ClinVar aggregate classification (germline): Uncertain significance (1 of 4 stars; one submission).

gnomAD v4.1: 1 of 1,613,268 alleles (0.000062%); highest among the groups gnomAD compares: Non-Finnish European, 0.000085%; no homozygotes.

Submission:

Labcorp Genetics (formerly Invitae), Labcorp
Classification: Uncertain significance. Last evaluated: 2024-08-22. Review status: criteria provided, single submitter. Criteria: Invitae Variant Classification Sherloc (09022015). Collection method: clinical testing. Allele origin: germline.
Comment: This sequence change replaces glutamic acid, which is acidic and polar, with glutamine, which is neutral and polar, at codon 63 of the BEST1 protein (p.Glu63Gln). This variant is not present in population databases (gnomAD no frequency). This variant has not been reported in the literature in individuals affected with BEST1-related conditions. Invitae Evidence Modeling of protein sequence and biophysical properties (such as structural, functional, and spatial information, amino acid conservation, physicochemical variation, residue mobility, and thermodynamic stability) indicates that this missense variant is expected to disrupt BEST1 protein function with a positive predictive value of 95%. In summary, the available evidence is currently insufficient to determine the role of this variant in disease. Therefore, it has been classified as a Variant of Uncertain Significance.

NM_004183.4(BEST1):c.187G>C (p.Glu63Gln)

Gene: BEST1 (bestrophin 1; plus strand). Cytogenetic location: 11q12.3.
Variant type: single nucleotide variant.
Coding change: c.187G>C on transcript NM_004183.4 (MANE Select); coding-DNA position 187, G replaced by C.
Protein change: p.Glu63Gln; replaces glutamic acid 63 with glutamine.
Molecular consequence: missense variant. On other transcripts: non-coding transcript variant (1).
Genome position (GRCh38, 1-based): chr11:61,955,141, G>C. VCF-style: chr11-61955141-G-C. GRCh37 (hg19) VCF-style: chr11-61722613-G-C.
Other names: c.7G>C, p.Glu3Gln (NM_001139443.3, NM_001300786.2, NM_001300787.2); c.187G>C, p.Glu63Gln (NM_001363592.2); short protein forms E3Q, E63Q.
Identifiers: ClinVar variation 3607489 (VCV003607489.2).